The following is an entry in ClinVar:

NM_001376.5(DYNC1H1):c.10743A>C (p.Lys3581Asn)

Gene: DYNC1H1 (dynein cytoplasmic 1 heavy chain 1; plus strand). Cytogenetic location: 14q32.31.
Variant type: single nucleotide variant.
Coding change: c.10743A>C on transcript NM_001376.5 (MANE Select); coding-DNA position 10743, A replaced by C.
Protein change: p.Lys3581Asn; replaces lysine 3581 with asparagine.
Molecular consequence: missense variant.
Genome position (GRCh38, 1-based): chr14:102,034,441, A>C. VCF-style: chr14-102034441-A-C. GRCh37 (hg19) VCF-style: chr14-102500778-A-C.
Other names: short protein forms K3581N.
Identifiers: ClinVar variation 246514 (VCV000246514.12), dbSNP rs768668529, ClinGen allele CA7353465.

ClinVar aggregate classification (germline): Conflicting classifications of pathogenicity. Review status: criteria provided, conflicting classifications (1 of 4 stars). 4 submissions from 4 submitters: Uncertain significance (3); Likely benign (1). Last evaluated 2026-03-19.

Conditions:
DYNC1H1-related disorder. Also called: DYNC1H1-related condition; DYNC1H1-related disorders. Identifiers: MedGen CN381529.
Inborn genetic diseases. Identifiers: MedGen C0950123, MeSH D030342.
Charcot-Marie-Tooth disease axonal type 2O. Also called: CHARCOT-MARIE-TOOTH NEUROPATHY, AXONAL, TYPE 2O; CHARCOT-MARIE-TOOTH DISEASE, AXONAL, AUTOSOMAL DOMINANT, TYPE 2O; Charcot-Marie-Tooth Neuropathy Type 2O; Charcot-Marie-Tooth disease, axonal, type 20. Identifiers: Orphanet 284232, MedGen C3280220, MONDO:0013644, OMIM 614228.

Allele frequency attached by ClinVar (database versions not stated): TOPMed below 0.00001; ExAC 0.00001; gnomAD 0.00001; gnomAD exomes 0.00001 and 0.00002.
gnomAD v4.1: 23 of 1,612,744 alleles (0.0014%); highest among the groups gnomAD compares: Non-Finnish European, 0.0019%; no homozygotes.

Submissions (4):

PreventionGenetics, part of Exact Sciences
Classification: Uncertain significance for DYNC1H1-related condition. Last evaluated: 2026-03-19. Review status: criteria provided, single submitter. Criteria: ACMG Guidelines, 2015. Collection method: clinical testing. Allele origin: germline.
Comment: The DYNC1H1 c.10743A>C variant is predicted to result in the amino acid substitution p.Lys3581Asn. To our knowledge, this variant has not been reported in the literature. This variant is reported in 0.0018% of alleles in individuals of European (non-Finnish) descent in gnomAD. At this time, the clinical significance of this variant is uncertain due to the absence of conclusive functional and genetic evidence.

Labcorp Genetics (formerly Invitae), Labcorp
Classification: Likely benign for Charcot-Marie-Tooth disease axonal type 2O. Last evaluated: 2025-01-29. Review status: criteria provided, single submitter. Criteria: Invitae Variant Classification Sherloc (09022015). Collection method: clinical testing. Allele origin: germline.

Ambry Genetics
Classification: Uncertain significance for Inborn genetic diseases. Last evaluated: 2021-09-24. Review status: criteria provided, single submitter. Criteria: Ambry Variant Classification Scheme 2023. Collection method: clinical testing. Allele origin: germline.
Comment: The p.K3581N variant (also known as c.10743A>C), located in coding exon 56 of the DYNC1H1 gene, results from an A to C substitution at nucleotide position 10743. The lysine at codon 3581 is replaced by asparagine, an amino acid with similar properties. This amino acid position is conserved. In addition, this alteration is predicted to be tolerated by in silico analysis. Since supporting evidence is limited at this time, the clinical significance of this alteration remains unclear.

GeneDx
Classification: Uncertain significance. Last evaluated: 2016-03-31. Review status: criteria provided, single submitter. Criteria: GeneDx Variant Classification (06012015). Collection method: clinical testing. Allele origin: germline. Affected: yes.
Comment: The K3581N variant has not been published as a pathogenic variant, nor has it been reported as a benign variant to our knowledge. It was not observed in approximately 6,500 individuals of European and African American ancestry in the NHLBI Exome Sequencing Project, indicating it is not a common benign variant in these populations. The K3581N variant is a semi-conservative amino acid substitution, which may impact secondary protein structure as these residues differ in some properties. This substitution occurs at a position that is conserved across species. However, missense variants in nearby residues have not been reported in the Human Gene Mutation Database in association with DYNC1H1-related disorders (Stenson et al., 2014). In silico analysis is inconsistent in its predictions as to whether or not the variant is damaging to the protein structure/function. Therefore, based on the currently available information, it is unclear whether this variant is a pathogenic variant or a rare benign variant.